The following is an entry in ClinVar:

ClinVar aggregate classification (germline): Pathogenic (1 of 4 stars; one submission).

Conditions:
Fabry disease. Also called: ALPHA-GALACTOSIDASE A DEFICIENCY; ANDERSON-FABRY DISEASE; CERAMIDE TRIHEXOSIDASE DEFICIENCY; GLA DEFICIENCY; HEREDITARY DYSTOPIC LIPIDOSIS; Angiokeratoma corporis diffusum. Identifiers: Orphanet 324, MedGen C0002986, MONDO:0010526, OMIM 301500, HP:0001071. Disease mechanism: Fabry disease is due to inactivating mutations in the X-linked GLA gene resulting in deficiency of the enzyme Alpha Galactosidase-A., loss of function.

Submission:

Genomenon, Inc
Classification: Pathogenic for Fabry disease. Last evaluated: 2026-09-08. Review status: criteria provided, single submitter. Criteria: Genomenon Sequence Variant Interpretation Standards - Updated. Collection method: curation. Allele origin: germline. Affected: yes.
Comment: GLA p.Tyr222Asp (c.664T>G) is a missense variant that changes the amino acid at codon 222 from Tyrosine to Aspartic acid. This variant has been observed in at least one proband with clinical features consistent with Fabry disease (PMID:32719972;30477121;27585509). The variant was found to segregate with disease in at least one affected family (PMID:27585509). At least one functional study has demonstrated a substantial alteration in protein function relative to the wild-type (PMID:32023956). This variant is located in a mutational hotspot and/or important functional domain. It is absent or not present at a significant frequency in gnomAD. In silico models predict that this variant is possibly or probably damaging. In conclusion, we classify GLA p.Tyr222Asp (c.664T>G) as a pathogenic variant.

Literature cited by the submitters: PubMed 32719972; PubMed 30477121; PubMed 27585509; PubMed 32023956.

NM_000169.3(GLA):c.664T>G (p.Tyr222Asp)

Genes: GLA (galactosidase alpha; minus strand), RPL36A-HNRNPH2 (RPL36A-HNRNPH2 readthrough; plus strand). Cytogenetic location: Xq22.1.
Variant type: single nucleotide variant.
Coding change: c.664T>G on transcript NM_000169.3 (MANE Select); coding-DNA position 664, T replaced by G.
Protein change: p.Tyr222Asp; replaces tyrosine 222 with aspartic acid.
Molecular consequence: missense variant. On other transcripts: non-coding transcript variant (3), intron variant (2).
Genome position (GRCh38, 1-based): chrX:101,398,922, A>C on the plus strand (T>G on the coding strand, the complement: GLA is on the minus strand). VCF-style: chrX-101398922-A-C. GRCh37 (hg19) VCF-style: chrX-100653910-A-C.
Other names: c.787T>G, p.Tyr263Asp (NM_001406747.1); c.664T>G, p.Tyr222Asp (NM_001406748.1); c.300+3465A>C (NM_001199973.2); c.177+7100A>C (NM_001199974.2); short protein forms Y222D, Y263D.
Identifiers: ClinVar variation 4087456 (VCV004087456.2), dbSNP rs869312380.